The following is an entry in ClinVar:

ClinVar aggregate classification (germline): Uncertain significance (1 of 4 stars; one submission).

Submission:

Ambry Genetics
Classification: Uncertain significance. Last evaluated: 2024-10-25. Review status: criteria provided, single submitter. Criteria: Ambry Variant Classification Scheme 2023. Collection method: clinical testing. Allele origin: germline.
Comment: The p.I245V variant (also known as c.733A>G), located in coding exon 5 of the BUB3 gene, results from an A to G substitution at nucleotide position 733. The isoleucine at codon 245 is replaced by valine, an amino acid with highly similar properties. This amino acid position is conserved. In addition, this alteration is predicted to be tolerated by in silico analysis. Based on the available evidence, the clinical significance of this variant remains unclear.

NM_004725.4(BUB3):c.733A>G (p.Ile245Val)

Gene: BUB3 (BUB3 mitotic checkpoint protein; plus strand). Cytogenetic location: 10q26.13.
Variant type: single nucleotide variant.
Coding change: c.733A>G on transcript NM_004725.4 (MANE Select); coding-DNA position 733, A replaced by G.
Protein change: p.Ile245Val; replaces isoleucine 245 with valine.
Molecular consequence: missense variant.
Genome position (GRCh38, 1-based): chr10:123,162,392, A>G. VCF-style: chr10-123162392-A-G. GRCh37 (hg19) VCF-style: chr10-124921908-A-G.
Other names: c.733A>G, p.Ile245Val (NM_001007793.3); short protein forms I245V.
Identifiers: ClinVar variation 3483296 (VCV003483296.1).